The following is an entry in ClinVar:

NM_000368.5(TSC1):c.2195A>G (p.His732Arg)

Gene: TSC1 (TSC complex subunit 1; minus strand). Cytogenetic location: 9q34.13.
Variant type: single nucleotide variant.
Coding change: c.2195A>G on transcript NM_000368.5 (MANE Select); coding-DNA position 2195, A replaced by G.
Protein change: p.His732Arg; replaces histidine 732 with arginine.
Molecular consequence: missense variant.
Genome position (GRCh38, 1-based): chr9:132,903,664, T>C on the plus strand (A>G on the coding strand, the complement: TSC1 is on the minus strand). VCF-style: chr9-132903664-T-C. GRCh37 (hg19) VCF-style: chr9-135779051-T-C.
Other names: c.2192A>G, p.His731Arg (NM_001162426.2); c.2042A>G, p.His681Arg (NM_001162427.2); c.1832A>G, p.His611Arg (NM_001362177.2); short protein forms H732R, H611R, H731R, H681R.
Identifiers: ClinVar variation 237708 (VCV000237708.20), dbSNP rs878853964, ClinGen allele CA10582624.

ClinVar aggregate classification (germline): Conflicting classifications of pathogenicity. Review status: criteria provided, conflicting classifications (1 of 4 stars). 6 submissions from 6 submitters: Uncertain significance (3); Benign (1); Likely benign (2). Last evaluated 2026-01-11.

Conditions:
TSC1-related disorder. Also called: TSC1-related condition.
Hereditary cancer-predisposing syndrome. Also called: Neoplastic Syndromes, Hereditary; Hereditary neoplastic syndrome; Hereditary Cancer Syndrome; Tumor predisposition. Identifiers: Orphanet 140162, MedGen C0027672, MeSH D009386, MONDO:0015356.
Tuberous sclerosis syndrome (TSC). Also called: Tuberous sclerosis; Tuberous Sclerosis Complex. Identifiers: Orphanet 805, MedGen C0041341, MONDO:0001734.
Tuberous sclerosis 1 (TSC1). Identifiers: Orphanet 805, MedGen C1854465, MONDO:0008612, OMIM 191100.

Allele frequency attached by ClinVar (database versions not stated): gnomAD exomes below 0.00001 and 0.00001; TOPMed 0.00002.
gnomAD v4.1: 9 of 1,612,420 alleles (0.00056%); highest among the groups gnomAD compares: Middle Eastern, 0.043%; no homozygotes.

Submissions (6):

Labcorp Genetics (formerly Invitae), Labcorp
Classification: Benign for Tuberous sclerosis 1. Last evaluated: 2026-01-11. Review status: criteria provided, single submitter. Criteria: Invitae Variant Classification Sherloc (09022015). Collection method: clinical testing. Allele origin: germline.

PreventionGenetics, part of Exact Sciences
Classification: Uncertain significance for TSC1-related condition. Last evaluated: 2026-01-08. Review status: criteria provided, single submitter. Criteria: ACMG Guidelines, 2015. Collection method: clinical testing. Allele origin: germline.
Comment: The TSC1 c.2195A>G variant is predicted to result in the amino acid substitution p.His732Arg. To our knowledge, this variant has not been reported in the literature. This variant has been reported in one heterozygous individual within the ‘other’ subpopulation in gnomAD. In ClinVar, this variant has conflicting interpretations ranging from uncertain to benign (Variation ID: 237708). Although we suspect this variant is benign, at this time, the clinical significance of this variant is uncertain due to the absence of conclusive functional and genetic evidence.

All of Us Research Program, National Institutes of Health
Classification: Uncertain significance for Tuberous sclerosis syndrome. Last evaluated: 2024-07-29. Review status: criteria provided, single submitter. Criteria: ACMG Guidelines, 2015. Collection method: clinical testing. Allele origin: germline. Inheritance: Autosomal dominant inheritance. Observed: 2 variant alleles, 2 heterozygotes.
Comment: This missense variant replaces histidine with arginine at codon 732 of the TSC1 protein. Computational prediction suggests that this variant may not impact protein structure and function (internally defined REVEL score threshold <= 0.5, PMID: 27666373). To our knowledge, functional studies have not been reported for this variant. This variant has not been reported in individuals affected with TSC1-related disorders in the literature. This variant has been identified in 1/251130 chromosomes in the general population by the Genome Aggregation Database (gnomAD). The available evidence is insufficient to determine the role of this variant in disease conclusively. Therefore, this variant is classified as a Variant of Uncertain Significance.

This study involves interpretation of variants in research participants for the purpose of population health screening. Participant phenotype was not available at the time of variant classification. Additional details can be found in publication PMID: 35346344, PMCID: PMC8962531

Color Diagnostics, LLC DBA Color Health
Classification: Uncertain significance for Tuberous sclerosis syndrome. Last evaluated: 2024-01-30. Review status: criteria provided, single submitter. Criteria: ACMG Guidelines, 2015. Collection method: clinical testing. Allele origin: germline.
Comment: This missense variant replaces histidine with arginine at codon 732 of the TSC1 protein. Computational prediction suggests that this variant may not impact protein structure and function. To our knowledge, functional studies have not been reported for this variant. This variant has not been reported in individuals affected with TSC1-related disorders in the literature. This variant has been identified in 1/251130 chromosomes in the general population by the Genome Aggregation Database (gnomAD). The available evidence is insufficient to determine the role of this variant in disease conclusively. Therefore, this variant is classified as a Variant of Uncertain Significance.

Ambry Genetics
Classification: Likely benign for Hereditary cancer-predisposing syndrome. Last evaluated: 2022-10-20. Review status: criteria provided, single submitter. Criteria: Ambry Variant Classification Scheme 2023. Collection method: clinical testing. Allele origin: germline.

Genome-Nilou Lab
Classification: Likely benign for Tuberous sclerosis 1. Last evaluated: 2021-11-07. Review status: criteria provided, single submitter. Criteria: ACMG Guidelines, 2015. Collection method: clinical testing. Allele origin: germline. Affected: no.